The following is an entry in ClinVar:

NM_001387430.1(SH2B1):c.417C>T (p.Ser139=)

Gene: SH2B1 (SH2B adaptor protein 1; plus strand). Cytogenetic location: 16p11.2.
Variant type: single nucleotide variant.
Coding change: c.417C>T on transcript NM_001387430.1 (MANE Select); coding-DNA position 417, C replaced by T.
Protein change: p.Ser139=; no amino-acid change (serine 139 retained).
Molecular consequence: synonymous variant. On other transcripts: intron variant (1).
Genome position (GRCh38, 1-based): chr16:28,866,511, C>T. VCF-style: chr16-28866511-C-T. GRCh37 (hg19) VCF-style: chr16-28877832-C-T.
Other names: c.417C>T, p.Ser139= (NM_001145795.2, NM_001145796.2, NM_001145797.2 and 4 more transcripts); c.-26-863C>T (NM_001308294.2).
Identifiers: ClinVar variation 4980971 (VCV004980971.1).

ClinVar aggregate classification (germline): Likely benign (1 of 4 stars; one submission).

Conditions:
SH2B1-related disorder. Also called: SH2B1-related condition.

Submission:

PreventionGenetics, part of Exact Sciences
Classification: Likely benign for SH2B1-related condition. Last evaluated: 2026-08-04. Review status: criteria provided, single submitter. Criteria: ACMG Guidelines, 2015. Collection method: clinical testing. Allele origin: germline.
Comment: This variant is classified as likely benign based on ACMG/AMP sequence variant interpretation guidelines (Richards et al. 2015 PMID: 25741868, with internal and published modifications).